The following is an entry in ClinVar:

ClinVar aggregate classification (germline): Uncertain significance (1 of 4 stars; one submission).

Allele frequency attached by ClinVar (database versions not stated): gnomAD exomes 0.00001 and 0.00002; ExAC 0.00002.
gnomAD v4.1: 5 of 1,614,176 alleles (0.00031%); highest among the groups gnomAD compares: Admixed American, 0.0083%; no homozygotes.

Submission:

Labcorp Genetics (formerly Invitae), Labcorp
Classification: Uncertain significance. Last evaluated: 2021-11-13. Review status: criteria provided, single submitter. Criteria: Invitae Variant Classification Sherloc (09022015). Collection method: clinical testing. Allele origin: germline.
Comment: In summary, the available evidence is currently insufficient to determine the role of this variant in disease. Therefore, it has been classified as a Variant of Uncertain Significance. Algorithms developed to predict the effect of missense changes on protein structure and function are either unavailable or do not agree on the potential impact of this missense change (SIFT: "Tolerated"; PolyPhen-2: "Possibly Damaging"; Align-GVGD: "Class C0"). This variant has not been reported in the literature in individuals affected with RDH11-related conditions. This variant is present in population databases (rs769910083, gnomAD 0.01%). This sequence change replaces leucine, which is neutral and non-polar, with proline, which is neutral and non-polar, at codon 17 of the RDH11 protein (p.Leu17Pro).

NM_016026.4(RDH11):c.50T>C (p.Leu17Pro)

Genes: GPHN (gephyrin; plus strand), RDH11 (retinol dehydrogenase 11; minus strand). Cytogenetic location: 14q24.1.
Variant type: single nucleotide variant.
Coding change: c.50T>C on transcript NM_016026.4 (MANE Select); coding-DNA position 50, T replaced by C.
Protein change: p.Leu17Pro; replaces leucine 17 with proline.
Molecular consequence: missense variant.
Genome position (GRCh38, 1-based): chr14:67,695,654, A>G on the plus strand (T>C on the coding strand, the complement: RDH11 is on the minus strand). VCF-style: chr14-67695654-A-G. GRCh37 (hg19) VCF-style: chr14-68162371-A-G.
Other names: c.50T>C, p.Leu17Pro (NM_001252650.2); short protein forms L17P.
Identifiers: ClinVar variation 1478712 (VCV001478712.6), dbSNP rs769910083, ClinGen allele CA7238520.